The following is an entry in ClinVar:

NM_031946.7(AGAP3):c.2669C>T (p.Pro890Leu)

Gene: AGAP3 (ArfGAP with GTPase domain, ankyrin repeat and PH domain 3; plus strand). Cytogenetic location: 7q36.1.
Variant type: single nucleotide variant.
Coding change: c.2669C>T on transcript NM_031946.7 (MANE Select); coding-DNA position 2669, C replaced by T.
Protein change: p.Pro890Leu; replaces proline 890 with leucine.
Molecular consequence: missense variant.
Genome position (GRCh38, 1-based): chr7:151,143,876, C>T. VCF-style: chr7-151143876-C-T. GRCh37 (hg19) VCF-style: chr7-150840963-C-T.
Other names: c.1676C>T, p.Pro559Leu (NM_001281300.2); c.2360C>T, p.Pro787Leu (NM_001350102.2); c.1631C>T, p.Pro544Leu (NM_001350103.2); c.1322C>T, p.Pro441Leu (NM_001350104.2); short protein forms P441L, P544L, P559L, P787L, P890L.
Identifiers: ClinVar variation 2658183 (VCV002658183.24), dbSNP rs200498979, ClinGen allele CA4573367.

ClinVar aggregate classification (germline): Benign (1 of 4 stars; one submission).

Allele frequency attached by ClinVar (database versions not stated): 1000 Genomes Project 0.00160; 1000 Genomes Project 30x 0.00172; ESP Exome Variant Server 0.00186.
gnomAD v4.1: 4,880 of 1,613,974 alleles (0.3%); highest among the groups gnomAD compares: Non-Finnish European, 0.29%; 22 homozygotes.

Submission:

CeGaT Center for Human Genetics Tuebingen
Classification: Benign. Last evaluated: 2022-09-01. Review status: criteria provided, single submitter. Criteria: CeGaT Center For Human Genetics Tuebingen Variant Classification Criteria Version 2. Collection method: clinical testing. Allele origin: germline. Affected: yes. Observed: 2 variant alleles.
Comment: AGAP3: BS1, BS2